The following is an entry in ClinVar:

ClinVar aggregate classification (germline): Likely pathogenic (0 of 4 stars; one submission).

Conditions:
Visceral myopathy 1 (VSCM1). Also called: Visceral myopathy; Infantile visceral myopathy; ACTG2 Visceral Myopathy. Identifiers: Orphanet 2604, MedGen C5542197, MONDO:0020754, OMIM 155310.

Submission:

Molecular Genetics Laboratory, State University of Campinas
Classification: Likely pathogenic for Visceral myopathy 1. Last evaluated: 2017-08-31. Review status: no assertion criteria provided. Collection method: research. Allele origin: biparental. Inheritance: Autosomal recessive inheritance. Affected: yes. Observed: 1 variant allele, 1 homozygote.
Comment: The entire MYL9 exon 4 is deleted (the last coding exon of this gene). MYL9 is a gene with a crucial role in smooth muscle contraction and is closely related to the genes previously associated with the megacystis-microcolon-hypoperistalsis syndrome - MMIHS (ACTG2, MYH11, LMOD1 and MYLK). Besides, according to different databases (GeneCard - and Expression Atlas), tissues like urinary bladder and colon, clearly affected in MMIHS, have a high mRNA and protein expression level of MYL9.

Literature cited by the submitters: PubMed 29453416.

NC_000020.11:g.36548744_36555707del

Genes: DLGAP4-AS1 (DLGAP4 antisense RNA 1; minus strand), MYL9 (myosin light chain 9; plus strand). Cytogenetic location: 20q11.23.
Variant type: Deletion.
Genome position: GRCh38: chr20:36,548,744-36,555,707. GRCh37 (hg19): chr20:35,177,147-35,184,110.
Identifiers: ClinVar variation 437907 (VCV000437907.3), ClinGen allele CA658799360.